The following is an entry in ClinVar:

ClinVar aggregate classification (germline): Uncertain significance (1 of 4 stars; one submission).

Conditions:
IFT27-related disorder. Also called: IFT27-related condition.

gnomAD v4.1: 28 of 1,606,796 alleles (0.0017%); highest among the groups gnomAD compares: East Asian, 0.0045%; no homozygotes.

Submission:

PreventionGenetics, part of Exact Sciences
Classification: Uncertain significance for IFT27-related condition. Last evaluated: 2025-08-12. Review status: criteria provided, single submitter. Criteria: ACMG Guidelines, 2015. Collection method: clinical testing. Allele origin: germline.
Comment: The IFT27 c.389G>A variant is predicted to result in the amino acid substitution p.Arg130Gln. To our knowledge, this variant has not been reported in the literature. This variant is reported in 0.0030% of alleles in individuals of Latino descent in gnomAD. At this time, the clinical significance of this variant is uncertain due to the absence of conclusive functional and genetic evidence.

NM_001177701.3(IFT27):c.392G>A (p.Arg131Gln)

Genes: CACNG2-DT (CACNG2 divergent transcript; plus strand), IFT27 (intraflagellar transport 27; minus strand). Cytogenetic location: 22q12.3.
Variant type: single nucleotide variant.
Coding change: c.392G>A on transcript NM_001177701.3 (MANE Select); coding-DNA position 392, G replaced by A.
Protein change: p.Arg131Gln; replaces arginine 131 with glutamine.
Molecular consequence: missense variant.
Genome position (GRCh38, 1-based): chr22:36,762,974, C>T on the plus strand (G>A on the coding strand, the complement: IFT27 is on the minus strand). VCF-style: chr22-36762974-C-T. GRCh37 (hg19) VCF-style: chr22-37159018-C-T.
Other names: c.392G>A, p.Arg131Gln (NM_001363003.2); c.389G>A, p.Arg130Gln (NM_006860.5); short protein forms R131Q, R130Q.
Identifiers: ClinVar variation 4989683 (VCV004989683.1).